The following is an entry in ClinVar:

NM_001035.3(RYR2):c.9705G>A (p.Met3235Ile)

Gene: RYR2 (ryanodine receptor 2; plus strand). Cytogenetic location: 1q43.
Variant type: single nucleotide variant.
Coding change: c.9705G>A on transcript NM_001035.3 (MANE Select); coding-DNA position 9705, G replaced by A.
Protein change: p.Met3235Ile; replaces methionine 3235 with isoleucine.
Molecular consequence: missense variant.
Genome position (GRCh38, 1-based): chr1:237,707,073, G>A. VCF-style: chr1-237707073-G-A. GRCh37 (hg19) VCF-style: chr1-237870373-G-A.
Other names: c.9705G>A (NM_001035.2); short protein forms M3235I.
Identifiers: ClinVar variation 920868 (VCV000920868.12), dbSNP rs1009977437, ClinGen allele CA39791803.
Genomic context (GRCh38, chr1:237,707,073, plus strand): 5'-GGAAGAAATCGTGGAATTAGCCGAGTCCGGCATTCGCTACACTCAAATGCCACATGTCAT[G>A]GAAGTCATACTGCCCATGCTTTGCAGCTACATGTCTCGTTGGTGGGAGCATGGACCTGAG-3'
Protein context (NP_001026.2, residues 3225-3245): GIRYTQMPHV[Met3235Ile]EVILPMLCSY

ClinVar aggregate classification (germline): Uncertain significance. Review status: criteria provided, multiple submitters, no conflicts (2 of 4 stars). 6 submissions from 6 submitters: Uncertain significance (6). Last evaluated 2025-04-28.

Conditions:
Cardiovascular phenotype. Identifiers: MedGen CN230736.
Catecholaminergic polymorphic ventricular tachycardia (CVPT). Also called: Catecholamine-induced polymorphic ventricular tachycardia. Identifiers: Orphanet 3286, MedGen C5574922, MONDO:0017990.
Cardiomyopathy (CMYO). Also called: Cardiomyopathies. Identifiers: Orphanet 167848, MedGen C0878544, MONDO:0004994, HP:0001638. Inheritance: Various modes of inheritance.
Catecholaminergic polymorphic ventricular tachycardia 1. Also called: VENTRICULAR TACHYCARDIA, CATECHOLAMINERGIC POLYMORPHIC, 1, WITH OR WITHOUT ATRIAL DYSFUNCTION AND/OR DILATED CARDIOMYOPATHY; RYR2-Related Catecholaminergic Polymorphic Ventricular Tachycardia; VENTRICULAR TACHYCARDIA, STRESS-INDUCED POLYMORPHIC 1. Identifiers: Orphanet 3286, MedGen C1631597, MONDO:0011484, OMIM 604772.

Allele frequency attached by ClinVar (database versions not stated): gnomAD exomes 0.00001.
gnomAD v4.1: 7 of 1,613,918 alleles (0.00043%); highest among the groups gnomAD compares: Admixed American, 0.0017%; no homozygotes.

Submissions (6):

Labcorp Genetics (formerly Invitae), Labcorp
Classification: Uncertain significance for Catecholaminergic polymorphic ventricular tachycardia 1. Last evaluated: 2025-04-28. Review status: criteria provided, single submitter. Criteria: Invitae Variant Classification Sherloc (09022015). Collection method: clinical testing. Allele origin: germline.
Comment: This sequence change replaces methionine, which is neutral and non-polar, with isoleucine, which is neutral and non-polar, at codon 3235 of the RYR2 protein (p.Met3235Ile). This variant is not present in population databases (gnomAD no frequency). This missense change has been observed in individual(s) with RYR2-related conditions (PMID: 37589201). ClinVar contains an entry for this variant (Variation ID: 920868). Invitae Evidence Modeling of protein sequence and biophysical properties (such as structural, functional, and spatial information, amino acid conservation, physicochemical variation, residue mobility, and thermodynamic stability) indicates that this missense variant is not expected to disrupt RYR2 protein function with a negative predictive value of 95%. In summary, the available evidence is currently insufficient to determine the role of this variant in disease. Therefore, it has been classified as a Variant of Uncertain Significance.

Ambry Genetics
Classification: Uncertain significance for Cardiovascular phenotype. Last evaluated: 2025-01-03. Review status: criteria provided, single submitter. Criteria: Ambry Variant Classification Scheme 2023. Collection method: clinical testing. Allele origin: germline.
Comment: The p.M3235I variant (also known as c.9705G>A), located in coding exon 68 of the RYR2 gene, results from a G to A substitution at nucleotide position 9705. The methionine at codon 3235 is replaced by isoleucine, an amino acid with highly similar properties. This variant has been reported in a sudden infant death cohort (Kotta MC et al. J Am Heart Assoc, 2023 Sep;12:e029100). This amino acid position is well conserved in available vertebrate species. In addition, this alteration is predicted to be tolerated by in silico analysis. Based on the available evidence, the clinical significance of this variant remains unclear.

Color Diagnostics, LLC DBA Color Health
Classification: Uncertain significance for Cardiomyopathy. Last evaluated: 2024-05-23. Review status: criteria provided, single submitter. Criteria: ACMG Guidelines, 2015. Collection method: clinical testing. Allele origin: germline.
Comment: This missense variant replaces methionine with isoleucine at codon 3235 of the RYR2 protein. Computational prediction suggests that this variant may not impact protein structure and function (internally defined REVEL score threshold <= 0.5, PMID: 27666373). To our knowledge, functional studies have not been reported for this variant. This variant has been reported in an infant who experienced sudden unexplained death, as well as in the mother who had normal results from ECG, echocardiogram, and exercise stress tests (PMID: 37589201). This variant has not been identified in the general population by the Genome Aggregation Database (gnomAD). The available evidence is insufficient to determine the role of this variant in disease conclusively. Therefore, this variant is classified as a Variant of Uncertain Significance.

All of Us Research Program, National Institutes of Health
Classification: Uncertain significance for Catecholaminergic polymorphic ventricular tachycardia. Last evaluated: 2023-08-15. Review status: criteria provided, single submitter. Criteria: ACMG Guidelines, 2015. Collection method: clinical testing. Allele origin: germline. Inheritance: Autosomal dominant inheritance. Observed: 3 variant alleles, 3 heterozygotes.
Comment: This missense variant replaces methionine with isoleucine at codon 3235 of the RYR2 protein. Computational prediction tools and conservation analyses are inconclusive regarding the impact of this variant on the protein function. Computational splicing tools suggest that this variant may not impact RNA splicing. To our knowledge, functional assays have not been performed for this variant nor has this variant been reported in individuals affected with cardiovascular disorders in the literature. This variant has not been identified in the general population by the Genome Aggregation Database (gnomAD). Available evidence is insufficient to determine the role of this variant in disease conclusively. Therefore, this variant is classified as a Variant of Uncertain Significance.

This study involves interpretation of variants in research participants for the purpose of population health screening. Participant phenotype was not available at the time of variant classification. Additional details can be found in publication PMID: 35346344, PMCID: PMC8962531

CHEO Genetics Diagnostic Laboratory, Children's Hospital of Eastern Ontario
Classification: Uncertain significance for Cardiomyopathy. Last evaluated: 2021-04-30. Review status: criteria provided, single submitter. Criteria: ACMG Guidelines, 2015. Collection method: clinical testing. Allele origin: germline.

GeneDx
Classification: Uncertain significance. Last evaluated: 2020-06-12. Review status: criteria provided, single submitter. Criteria: GeneDx Variant Classification Process June 2021. Collection method: clinical testing. Allele origin: germline. Affected: yes.
Comment: Has not been previously published as pathogenic or benign to our knowledge; Not observed in large population cohorts (Lek et al., 2016); In silico analysis, which includes protein predictors and evolutionary conservation, supports that this variant does not alter protein structure/function; Not located in one of the three hot-spot regions of the RYR2 gene, where the majority of pathogenic missense variants occur (Medeiros-Domingo et al., 2009)

Literature cited by the submitters: PubMed 37589201 (cited by 3 submitters).